The following is an entry in ClinVar:

ClinVar aggregate classification (germline): Pathogenic (1 of 4 stars; one submission).

Conditions:
Diffuse cerebral and cerebellar atrophy - intractable seizures - progressive microcephaly syndrome. Also called: Microcephaly, progressive, with seizures and cerebral and cerebellar atrophy. Identifiers: Orphanet 404437, MedGen C4014239, MONDO:0014335, OMIM 615760.

Allele frequency attached by ClinVar (database versions not stated): ExAC 0.00001; gnomAD 0.00001 and 0.00002; gnomAD exomes 0.00001; TOPMed 0.00001.
gnomAD v4.1: 10 of 1,614,050 alleles (0.00062%); highest among the groups gnomAD compares: Non-Finnish European, 0.00085%; no homozygotes.

Submission:

Labcorp Genetics (formerly Invitae), Labcorp
Classification: Pathogenic for Diffuse cerebral and cerebellar atrophy - intractable seizures - progressive microcephaly syndrome. Last evaluated: 2022-08-19. Review status: criteria provided, single submitter. Criteria: Invitae Variant Classification Sherloc (09022015). Collection method: clinical testing. Allele origin: germline.
Comment: This sequence change creates a premature translational stop signal (p.Arg694*) in the QARS gene. It is expected to result in an absent or disrupted protein product. Loss-of-function variants in QARS are known to be pathogenic (PMID: 24656866, 25471517). For these reasons, this variant has been classified as Pathogenic. ClinVar contains an entry for this variant (Variation ID: 1068889). This variant has not been reported in the literature in individuals affected with QARS-related conditions. This variant is present in population databases (rs746293241, gnomAD 0.0009%).

Literature cited by the submitters: PubMed 24656866; PubMed 25471517.

NM_005051.3(QARS1):c.2080C>T (p.Arg694Ter)

Gene: QARS1 (glutaminyl-tRNA synthetase 1; minus strand). Cytogenetic location: 3p21.31.
Variant type: single nucleotide variant.
Coding change: c.2080C>T on transcript NM_005051.3 (MANE Select); coding-DNA position 2080, C replaced by T.
Protein change: p.Arg694Ter; replaces arginine 694 with a stop codon.
Molecular consequence: nonsense. On other transcripts: non-coding transcript variant (1).
Genome position (GRCh38, 1-based): chr3:49,098,357, G>A on the plus strand (C>T on the coding strand, the complement: QARS1 is on the minus strand). VCF-style: chr3-49098357-G-A. GRCh37 (hg19) VCF-style: chr3-49135790-G-A.
Other names: c.2047C>T, p.Arg683Ter (NM_001272073.2); short protein forms R683*, R694*.
Identifiers: ClinVar variation 1068889 (VCV001068889.5), dbSNP rs746293241, ClinGen allele CA2391542.